The following is an entry in ClinVar:

NM_004415.4(DSP):c.6924G>C (p.Leu2308Phe)

Gene: DSP (desmoplakin; plus strand). Cytogenetic location: 6p24.3.
Variant type: single nucleotide variant.
Coding change: c.6924G>C on transcript NM_004415.4 (MANE Select); coding-DNA position 6924, G replaced by C.
Protein change: p.Leu2308Phe; replaces leucine 2308 with phenylalanine.
Molecular consequence: missense variant.
Genome position (GRCh38, 1-based): chr6:7,584,186, G>C. VCF-style: chr6-7584186-G-C. GRCh37 (hg19) VCF-style: chr6-7584419-G-C.
Other names: c.5127G>C, p.Leu1709Phe (NM_001008844.3); c.5595G>C, p.Leu1865Phe (NM_001319034.2); short protein forms L2308F, L1709F, L1865F.
Identifiers: ClinVar variation 1756184 (VCV001756184.2), dbSNP rs2533943187, ClinGen allele CA362691851.

ClinVar aggregate classification (germline): Uncertain significance (1 of 4 stars; one submission).

Conditions:
Cardiovascular phenotype. Identifiers: MedGen CN230736.

Submission:

Ambry Genetics
Classification: Uncertain significance for Cardiovascular phenotype. Last evaluated: 2022-09-28. Review status: criteria provided, single submitter. Criteria: Ambry Variant Classification Scheme 2023. Collection method: clinical testing. Allele origin: germline.
Comment: The p.L2308F variant (also known as c.6924G>C), located in coding exon 24 of the DSP gene, results from a G to C substitution at nucleotide position 6924. The leucine at codon 2308 is replaced by phenylalanine, an amino acid with highly similar properties. This amino acid position is conserved. In addition, this alteration is predicted to be tolerated by in silico analysis. Since supporting evidence is limited at this time, the clinical significance of this alteration remains unclear.